The following is an entry in ClinVar:

ClinVar aggregate classification (germline): Likely pathogenic (1 of 4 stars; one submission).

Conditions:
SUFU-related disorder. Also called: SUFU-related disorders; SUFU-related condition.

Submission:

PreventionGenetics, part of Exact Sciences
Classification: Likely pathogenic for SUFU-related condition. Last evaluated: 2022-12-01. Review status: criteria provided, single submitter. Criteria: ACMG Guidelines, 2015. Collection method: clinical testing. Allele origin: germline.
Comment: The SUFU c.1008_1012delinsTGAGGC variant is predicted to result in a frameshift and premature protein termination (p.His337Glufs*14). To our knowledge, this variant has not been reported in the literature or in a large population database, indicating this variant is rare. Frameshift variants in SUFU are expected to be pathogenic. This variant is interpreted as likely pathogenic.

NM_016169.4(SUFU):c.1008_1012delinsTGAGGC (p.His337fs)

Gene: SUFU (SUFU negative regulator of hedgehog signaling; plus strand). Cytogenetic location: 10q24.32.
Variant type: Indel.
Coding change: c.1008_1012delinsTGAGGC on transcript NM_016169.4 (MANE Select); coding-DNA positions 1008 to 1012, CCACG replaced by TGAGGC.
Protein change: p.His337fs; shifts the reading frame from histidine 337.
Molecular consequence: frameshift variant.
Genome position (GRCh38, 1-based): chr10:102,599,530-102,599,534, CCACG replaced by TGAGGC. VCF-style: chr10-102599530-CCACG-TGAGGC. GRCh37 (hg19) VCF-style: chr10-104359287-CCACG-TGAGGC.
Other names: c.1008_1012delinsTGAGGC, p.His337fs (NM_001178133.2); c.1008_1012delCCACGinsTGAGGC, p.His337Glufs (NM_016169.3); short protein forms H337fs.
Identifiers: ClinVar variation 2635167 (VCV002635167.1), dbSNP rs2545101102, ClinGen allele CA2695201036.